The following is an entry in ClinVar:

ClinVar aggregate classification (germline): Benign. Review status: reviewed by expert panel (3 of 4 stars). 3 submissions from 3 submitters: Benign (1). 2 of the submissions do not count toward it. Last evaluated 2022-06-30.

Conditions:
Hereditary thrombocytopenia and hematologic cancer predisposition syndrome. Identifiers: Orphanet 71290, MedGen CN281654, MONDO:0011071.
Hereditary thrombocytopenia and hematological cancer predisposition syndrome associated with RUNX1. Also called: PLATELET DISORDER, ASPIRIN-LIKE; RUNX1 Familial Platelet Disorder with Associated Myeloid Malignancies; Familial Platelet Disorder with Propensity to Acute Myelogenous Leukemia; Familial thrombocytopenia with propensity to acute myelogenous leukemia. Identifiers: Orphanet 71290, MedGen C1832388, MeSH C563324, MONDO:0100083, OMIM 601399.

Allele frequency attached by ClinVar (database versions not stated): 1000 Genomes Project 0.00160; 1000 Genomes Project 30x 0.00297; ExAC 0.00443; gnomAD exomes 0.00720; TOPMed 0.00813; gnomAD 0.00858 and 0.00871.
gnomAD v4.1: 6,753 of 607,380 alleles (1.1%); highest among the groups gnomAD compares: Non-Finnish European, 1.5%; 77 homozygotes.

Submissions (3):

ClinGen Myeloid Malignancy Variant Curation Expert Panel
Classification: Benign for Hereditary thrombocytopenia and hematologic cancer predisposition syndrome. Last evaluated: 2022-06-30. Review status: reviewed by expert panel. Criteria: ClinGen MyeloMalig ACMG Specifications v2. Collection method: curation. Allele origin: germline. Inheritance: Autosomal dominant inheritance.
Comment: NM_001754.5(RUNX1):c.*121G>C is a 3' UTR variant. This variant has a MAF of 0.013 (1.32%, 468/35294 alleles) in the European (Non-Finnish) subpopulation of the gnomAD cohort is ≥ 0.0015 (0.15%) (BA1). This variant is reported in 6 homozygotes in gnomAD v2.1.1 (BP2). In summary, this variant meets the criteria to be classified as benign. ACMG/AMP criteria applied, as specified by the Myeloid Malignancy Variant Curation Expert Panel for RUNX1: BA1, BP2

GeneDx
Classification: Likely benign. Last evaluated: 2018-07-14. Review status: criteria provided, single submitter. Criteria: GeneDx Variant Classification Process June 2021. Collection method: clinical testing. Allele origin: germline. Affected: yes. Not counted in ClinVar's aggregate classification.

Illumina Laboratory Services, Illumina
Classification: Benign for Hereditary thrombocytopenia and hematological cancer predisposition syndrome associated with RUNX1. Last evaluated: 2018-01-12. Review status: criteria provided, single submitter. Criteria: ICSL Variant Classification Criteria 13 December 2019. Collection method: clinical testing. Allele origin: germline. Not counted in ClinVar's aggregate classification.
Comment: This variant was observed in the ICSL laboratory as part of a predisposition screen in an ostensibly healthy population. It had not been previously curated by ICSL or reported in the Human Gene Mutation Database (HGMD: prior to June 1st, 2018), and was therefore a candidate for classification through an automated scoring system. Utilizing variant allele frequency, disease prevalence and penetrance estimates, and inheritance mode, an automated score was calculated to assess if this variant is too frequent to cause the disease. Based on the score and internal cut-off values, a variant classified as benign is not then subjected to further curation. The score for this variant resulted in a classification of benign for this disease.

NM_001754.5(RUNX1):c.*121G>C

Gene: RUNX1 (RUNX family transcription factor 1; minus strand). Cytogenetic location: 21q22.12.
Variant type: single nucleotide variant.
Coding change: c.*121G>C on transcript NM_001754.5 (MANE Select); 121 bases downstream of the stop codon, G replaced by C.
Molecular consequence: 3 prime UTR variant.
Genome position (GRCh38, 1-based): chr21:34,792,014, C>G on the plus strand (G>C on the coding strand, the complement: RUNX1 is on the minus strand). VCF-style: chr21-34792014-C-G. GRCh37 (hg19) VCF-style: chr21-36164311-C-G.
Other names: c.*121G>C (NM_001001890.3).
Identifiers: ClinVar variation 339868 (VCV000339868.9), dbSNP rs549844608, ClinGen allele CA10014157.